The following is an entry in ClinVar:

ClinVar aggregate classification (germline): Uncertain significance. Review status: criteria provided, multiple submitters, no conflicts (2 of 4 stars). 2 submissions from 2 submitters: Uncertain significance (2). Last evaluated 2025-08-04.

Submissions (2):

Ambry Genetics
Classification: Uncertain significance. Last evaluated: 2025-08-04. Review status: criteria provided, single submitter. Criteria: Ambry Variant Classification Scheme 2023. Collection method: clinical testing. Allele origin: germline.

Labcorp Genetics (formerly Invitae), Labcorp
Classification: Uncertain significance. Last evaluated: 2025-03-31. Review status: criteria provided, single submitter. Criteria: Invitae Variant Classification Sherloc (09022015). Collection method: clinical testing. Allele origin: germline.
Comment: This sequence change replaces tyrosine, which is neutral and polar, with histidine, which is basic and polar, at codon 37 of the POC5 protein (p.Tyr37His). The frequency data for this variant in the population databases is considered unreliable, as metrics indicate poor data quality at this position in the gnomAD database. This variant has not been reported in the literature in individuals affected with POC5-related conditions. An algorithm developed to predict the effect of missense changes on protein structure and function (PolyPhen-2) suggests that this variant is likely to be disruptive. In summary, the available evidence is currently insufficient to determine the role of this variant in disease. Therefore, it has been classified as a Variant of Uncertain Significance.

NM_001099271.2(POC5):c.109T>C (p.Tyr37His)

Gene: POC5 (POC5 centriolar protein; minus strand). Cytogenetic location: 5q13.3.
Variant type: single nucleotide variant.
Coding change: c.109T>C on transcript NM_001099271.2 (MANE Select); coding-DNA position 109, T replaced by C.
Protein change: p.Tyr37His; replaces tyrosine 37 with histidine.
Molecular consequence: missense variant.
Genome position (GRCh38, 1-based): chr5:75,707,851, A>G on the plus strand (T>C on the coding strand, the complement: POC5 is on the minus strand). VCF-style: chr5-75707851-A-G. GRCh37 (hg19) VCF-style: chr5-75003676-A-G.
Other names: c.34T>C, p.Tyr12His (NM_152408.3); short protein forms Y12H, Y37H.
Identifiers: ClinVar variation 4140783 (VCV004140783.2).